The following is an entry in ClinVar:

ClinVar aggregate classification (germline): Conflicting classifications of pathogenicity. Review status: criteria provided, conflicting classifications (1 of 4 stars). 4 submissions from 4 submitters: Uncertain significance (3); Likely benign (1). Last evaluated 2025-09-24.

Conditions:
Congenital myasthenic syndrome 3B (CMS3B). Also called: Myasthenic syndrome, congenital, 3B, fast-channel. Identifiers: Orphanet 590, MedGen C4225371, MONDO:0014584, OMIM 616322.
Congenital myasthenic syndrome 3C. Also called: Myasthenic syndrome, congenital, 3c, associated with acetylcholine receptor deficiency. Identifiers: Orphanet 590, MedGen C4225370, MONDO:0014585, OMIM 616323.
Lethal multiple pterygium syndrome (LMPS). Identifiers: Orphanet 33108, MedGen C1854678, MONDO:0009668, OMIM 253290.

Allele frequency attached by ClinVar (database versions not stated): gnomAD 0.00001; gnomAD exomes 0.00001 and 0.00002; TOPMed 0.00001; ExAC 0.00002; ESP Exome Variant Server 0.00008.
gnomAD v4.1: 19 of 1,611,348 alleles (0.0012%); highest among the groups gnomAD compares: Middle Eastern, 0.016%; no homozygotes.

Submissions (4):

Labcorp Genetics (formerly Invitae), Labcorp
Classification: Uncertain significance for Lethal multiple pterygium syndrome. Last evaluated: 2025-09-24. Review status: criteria provided, single submitter. Criteria: Invitae Variant Classification Sherloc (09022015). Collection method: clinical testing. Allele origin: germline.
Comment: This sequence change replaces glycine, which is neutral and non-polar, with serine, which is neutral and polar, at codon 275 of the CHRND protein (p.Gly275Ser). The frequency data for this variant in the population databases is considered unreliable, as metrics indicate poor data quality at this position in the gnomAD database. This variant has not been reported in the literature in individuals affected with CHRND-related conditions. ClinVar contains an entry for this variant (Variation ID: 840118). Invitae Evidence Modeling of protein sequence and biophysical properties (such as structural, functional, and spatial information, amino acid conservation, physicochemical variation, residue mobility, and thermodynamic stability) has been performed for this missense variant. However, the output from this modeling did not meet the statistical confidence thresholds required to predict the impact of this variant on CHRND protein function. Algorithms developed to predict the effect of sequence changes on RNA splicing suggest that this variant may create or strengthen a splice site. In summary, the available evidence is currently insufficient to determine the role of this variant in disease. Therefore, it has been classified as a Variant of Uncertain Significance.

Revvity Omics, Revvity
Classification: Uncertain significance. Last evaluated: 2025-08-05. Review status: criteria provided, single submitter. Criteria: ACMG Guidelines, 2015. Collection method: clinical testing. Allele origin: germline.

3billion
Classification: Likely benign for Congenital myasthenic syndrome 3B; Congenital myasthenic syndrome 3C; Lethal multiple pterygium syndrome. Last evaluated: 2024-09-20. Review status: criteria provided, single submitter. Criteria: ACMG Guidelines, 2015. Collection method: clinical testing. Allele origin: germline. Affected: no.
Comment: The homozygous variant was found in patients diagnosed with another variant in a different gene, with no symptoms related to the gene containing the homozygous variant.

Breakthrough Genomics
Classification: Uncertain significance. Review status: criteria provided, single submitter. Criteria: ACMG Guidelines, 2015. Collection method: not provided. Allele origin: germline. Inheritance: Autosomal recessive inheritance. Affected: yes.

NM_000751.3(CHRND):c.823G>A (p.Gly275Ser)

Gene: CHRND (cholinergic receptor nicotinic delta subunit; plus strand). Cytogenetic location: 2q37.1.
Variant type: single nucleotide variant.
Coding change: c.823G>A on transcript NM_000751.3 (MANE Select); coding-DNA position 823, G replaced by A.
Protein change: p.Gly275Ser; replaces glycine 275 with serine.
Molecular consequence: missense variant.
Genome position (GRCh38, 1-based): chr2:232,531,354, G>A. VCF-style: chr2-232531354-G-A. GRCh37 (hg19) VCF-style: chr2-233396064-G-A.
Other names: c.778G>A, p.Gly260Ser (NM_001256657.2); c.241G>A, p.Gly81Ser (NM_001311195.2); c.520G>A, p.Gly174Ser (NM_001311196.2); short protein forms G260S, G174S, G81S, G275S.
Identifiers: ClinVar variation 840118 (VCV000840118.12), dbSNP rs373187583, ClinGen allele CA2168174.